The following is an entry in ClinVar:

ClinVar aggregate classification (germline): Conflicting classifications of pathogenicity. Review status: criteria provided, conflicting classifications (1 of 4 stars). 2 submissions from 2 submitters: Uncertain significance (1); Likely benign (1). Last evaluated 2024-08-20.

Conditions:
COL7A1-related disorder. Also called: COL7A1- related disorders; COL7A1-related condition.

Allele frequency attached by ClinVar (database versions not stated): ExAC 0.00001; gnomAD exomes 0.00001; TOPMed 0.00002; gnomAD 0.00009.
gnomAD v4.1: 28 of 1,613,350 alleles (0.0017%); highest among the groups gnomAD compares: African/African-American, 0.004%; no homozygotes.

Submissions (2):

Labcorp Genetics (formerly Invitae), Labcorp
Classification: Likely benign. Last evaluated: 2024-08-20. Review status: criteria provided, single submitter. Criteria: Invitae Variant Classification Sherloc (09022015). Collection method: clinical testing. Allele origin: germline.

PreventionGenetics, part of Exact Sciences
Classification: Uncertain significance for COL7A1-related condition. Last evaluated: 2023-07-24. Review status: criteria provided, single submitter. Criteria: ACMG Guidelines, 2015. Collection method: clinical testing. Allele origin: germline.
Comment: The COL7A1 c.2903C>T variant is predicted to result in the amino acid substitution p.Ser968Leu. To our knowledge, this variant has not been reported in the literature. This variant is reported in 0.0070% of alleles in individuals of European (Non-Finnish) descent in gnomAD. At this time, the clinical significance of this variant is uncertain due to the absence of conclusive functional and genetic evidence.

NM_000094.4(COL7A1):c.2903C>T (p.Ser968Leu)

Gene: COL7A1 (collagen type VII alpha 1 chain; minus strand). Cytogenetic location: 3p21.31.
Variant type: single nucleotide variant.
Coding change: c.2903C>T on transcript NM_000094.4 (MANE Select); coding-DNA position 2903, C replaced by T.
Protein change: p.Ser968Leu; replaces serine 968 with leucine.
Molecular consequence: missense variant.
Genome position (GRCh38, 1-based): chr3:48,587,509, G>A on the plus strand (C>T on the coding strand, the complement: COL7A1 is on the minus strand). VCF-style: chr3-48587509-G-A. GRCh37 (hg19) VCF-style: chr3-48624942-G-A.
Other names: short protein forms S968L.
Identifiers: ClinVar variation 2629851 (VCV002629851.4), dbSNP rs775311082, ClinGen allele CA2380701.
Genomic context (GRCh38, chr3:48,587,509, plus strand): 5'-GATAGGATGTAGCTGGATGCCCTGGACACTGGAGTCCAGGCCAAAGTCACCGAGTCGATC[G>A]AGGTGTCCACCACACGTAGTTCAATGCTTGGAACACGAGGTGACTCTGAAGGAGGAATGA-3'
Protein context (NP_000085.1, residues 958-978): PSIELRVVDT[Ser968Leu]IDSVTLAWTP